The following is an entry in ClinVar:

ClinVar aggregate classification (germline): Uncertain significance. Review status: criteria provided, multiple submitters, no conflicts (2 of 4 stars). 2 submissions from 2 submitters: Uncertain significance (2). Last evaluated 2022-11-03.

Conditions:
Hereditary cancer-predisposing syndrome. Also called: Neoplastic Syndromes, Hereditary; Tumor predisposition; Hereditary Cancer Syndrome; Hereditary neoplastic syndrome. Identifiers: Orphanet 140162, MedGen C0027672, MeSH D009386, MONDO:0015356.
Neurofibromatosis, type 2 (SWNV). Also called: NF2-Related Schwannomatosis; BILATERAL ACOUSTIC NEUROFIBROMATOSIS; SCHWANNOMATOSIS, VESTIBULAR. Identifiers: Orphanet 637, MedGen C0027832, MONDO:0007039, OMIM 101000. Disease mechanism: loss of function.

Submissions (2):

Ambry Genetics
Classification: Uncertain significance for Hereditary cancer-predisposing syndrome. Last evaluated: 2022-11-03. Review status: criteria provided, single submitter. Criteria: Ambry Variant Classification Scheme 2023. Collection method: clinical testing. Allele origin: germline.
Comment: The p.K401N variant (also known as c.1203G>T), located in coding exon 12 of the NF2 gene, results from a G to T substitution at nucleotide position 1203. The lysine at codon 401 is replaced by asparagine, an amino acid with similar properties. This amino acid position is conserved. In addition, this alteration is predicted to be tolerated by in silico analysis. Since supporting evidence is limited at this time, the clinical significance of this alteration remains unclear.

Labcorp Genetics (formerly Invitae), Labcorp
Classification: Uncertain significance for Neurofibromatosis, type 2. Last evaluated: 2022-01-26. Review status: criteria provided, single submitter. Criteria: Invitae Variant Classification Sherloc (09022015). Collection method: clinical testing. Allele origin: germline.
Comment: In summary, the available evidence is currently insufficient to determine the role of this variant in disease. Therefore, it has been classified as a Variant of Uncertain Significance. Algorithms developed to predict the effect of missense changes on protein structure and function (SIFT, PolyPhen-2, Align-GVGD) all suggest that this variant is likely to be tolerated. This variant has not been reported in the literature in individuals affected with NF2-related conditions. This variant is not present in population databases (gnomAD no frequency). This sequence change replaces lysine, which is basic and polar, with asparagine, which is neutral and polar, at codon 401 of the NF2 protein (p.Lys401Asn).

NM_000268.4(NF2):c.1203G>T (p.Lys401Asn)

Gene: NF2 (NF2, moesin-ezrin-radixin like (MERLIN) tumor suppressor; plus strand). Cytogenetic location: 22q12.2.
Variant type: single nucleotide variant.
Coding change: c.1203G>T on transcript NM_000268.4 (MANE Select); coding-DNA position 1203, G replaced by T.
Protein change: p.Lys401Asn; replaces lysine 401 with asparagine.
Molecular consequence: missense variant. On other transcripts: non-coding transcript variant (1), intron variant (1).
Genome position (GRCh38, 1-based): chr22:29,673,349, G>T. VCF-style: chr22-29673349-G-T. GRCh37 (hg19) VCF-style: chr22-30069338-G-T.
Other names: c.1089G>T, p.Lys363Asn (NM_001407053.1, NM_001407056.1); c.1080G>T, p.Lys360Asn (NM_001407054.1, NM_001407058.1, NM_181829.3); c.1077G>T, p.Lys359Asn (NM_001407055.1, NM_181828.3); c.1068G>T, p.Lys356Asn (NM_001407057.1, NM_001407059.1); c.1203G>T, p.Lys401Asn (NM_001407060.1, NM_001407066.1, NM_016418.5 and 2 more transcripts); c.945G>T, p.Lys315Asn (NM_001407062.1); c.954G>T, p.Lys318Asn (NM_001407063.1, NM_001407064.1, NM_181830.3 and 1 more transcripts); c.669G>T, p.Lys223Asn (NM_001407065.1); and 2 more; short protein forms K223N, K363N, K359N, K360N, K401N, K315N, K318N, K324N.
Identifiers: ClinVar variation 2089439 (VCV002089439.6), dbSNP rs2518680122, ClinGen allele CA411148141.